The following is an entry in ClinVar:

ClinVar aggregate classification (germline): Conflicting classifications of pathogenicity. Review status: criteria provided, conflicting classifications (1 of 4 stars). 2 submissions from 2 submitters: Uncertain significance (1); Likely benign (1). Last evaluated 2025-12-27.

Conditions:
Long QT syndrome (LQTS). Identifiers: MedGen C0023976, MeSH D008133, MONDO:0002442. Disease mechanism: loss of function. Inheritance: Various modes of inheritance.
Cardiovascular phenotype. Identifiers: MedGen CN230736.

Allele frequency attached by ClinVar (database versions not stated): gnomAD 0.00005.
gnomAD v4.1: 12 of 1,424,478 alleles (0.00084%); highest among the groups gnomAD compares: African/African-American, 0.015%; no homozygotes.

Submissions (2):

Labcorp Genetics (formerly Invitae), Labcorp
Classification: Uncertain significance for Long QT syndrome. Last evaluated: 2025-12-27. Review status: criteria provided, single submitter. Criteria: Invitae Variant Classification Sherloc (09022015). Collection method: clinical testing. Allele origin: germline.
Comment: This sequence change replaces isoleucine, which is neutral and non-polar, with valine, which is neutral and non-polar, at codon 324 of the AKAP9 protein (p.Ile324Val). This variant is present in population databases (no rsID available, gnomAD 0.01%). This variant has not been reported in the literature in individuals affected with AKAP9-related conditions. ClinVar contains an entry for this variant (Variation ID: 1513419). An algorithm developed to predict the effect of missense changes on protein structure and function outputs the following: PolyPhen-2: "Benign". The valine amino acid residue is found in multiple mammalian species, which suggests that this missense change does not adversely affect protein function. In summary, the available evidence is currently insufficient to determine the role of this variant in disease. Therefore, it has been classified as a Variant of Uncertain Significance.

Ambry Genetics
Classification: Likely benign for Cardiovascular phenotype. Last evaluated: 2024-08-30. Review status: criteria provided, single submitter. Criteria: Ambry Variant Classification Scheme 2023. Collection method: clinical testing. Allele origin: germline.

NM_005751.5(AKAP9):c.970A>G (p.Ile324Val)

Gene: AKAP9 (A-kinase anchoring protein 9; plus strand). Cytogenetic location: 7q21.2.
Variant type: single nucleotide variant.
Coding change: c.970A>G on transcript NM_005751.5 (MANE Select); coding-DNA position 970, A replaced by G.
Protein change: p.Ile324Val; replaces isoleucine 324 with valine.
Molecular consequence: missense variant.
Genome position (GRCh38, 1-based): chr7:92,000,887, A>G. VCF-style: chr7-92000887-A-G. GRCh37 (hg19) VCF-style: chr7-91630201-A-G.
Other names: c.970A>G, p.Ile324Val (NM_147185.3); short protein forms I324V.
Identifiers: ClinVar variation 1513419 (VCV001513419.9), dbSNP rs906395966, ClinGen allele CA161906591.